The following is an entry in ClinVar:

NM_201253.3(CRB1):c.3686G>C (p.Cys1229Ser)

Gene: CRB1 (crumbs cell polarity complex component 1; plus strand). Cytogenetic location: 1q31.3.
Variant type: single nucleotide variant.
Coding change: c.3686G>C on transcript NM_201253.3 (MANE Select); coding-DNA position 3686, G replaced by C.
Protein change: p.Cys1229Ser; replaces cysteine 1229 with serine.
Molecular consequence: missense variant. On other transcripts: non-coding transcript variant (2), intron variant (1).
Genome position (GRCh38, 1-based): chr1:197,435,549, G>C. VCF-style: chr1-197435549-G-C. GRCh37 (hg19) VCF-style: chr1-197404679-G-C.
Other names: c.2129-51G>C (NM_001257966.2); c.3686G>C (NM_201253.2); c.3350G>C, p.Cys1117Ser (NM_001193640.2); c.3614G>C, p.Cys1205Ser (NM_001257965.2); short protein forms C1229S, C1117S, C1205S.
Identifiers: ClinVar variation 1045903 (VCV001045903.11), dbSNP rs1031415706, ClinGen allele CA35907997.

ClinVar aggregate classification (germline): Pathogenic/Likely pathogenic. Review status: criteria provided, multiple submitters, no conflicts (2 of 4 stars). 5 submissions from 5 submitters: Pathogenic (2); Likely pathogenic (3). Last evaluated 2026-02-19.

Conditions:
Leber congenital amaurosis 8 (LCA8). Identifiers: Orphanet 65, MedGen C3151202, MONDO:0013453, OMIM 613835.
Pigmented paravenous retinochoroidal atrophy. Identifiers: Orphanet 251295, MedGen C1868310, MONDO:0008246, OMIM 172870.
Retinitis pigmentosa 12 (RP12). Also called: RP WITH OR WITHOUT PPRPE; RP WITH OR WITHOUT PRESERVED PARAARTERIOLE RETINAL PIGMENT EPITHELIUM; RETINITIS PIGMENTOSA WITH OR WITHOUT PARAARTERIOLAR PRESERVATION OF RETINAL PIGMENT EPITHELIUM. Identifiers: Orphanet 791, MedGen C1838647, MONDO:0010818, OMIM 600105.
CRB1-related disorder. Also called: CRB1-related disorders; CRB1-related condition.

Allele frequency attached by ClinVar (database versions not stated): gnomAD 0.00001; gnomAD exomes 0.00001; TOPMed 0.00001.
gnomAD v4.1: 9 of 1,613,362 alleles (0.00056%); highest among the groups gnomAD compares: Non-Finnish European, 0.00076%; no homozygotes.

Submissions (5):

PreventionGenetics, part of Exact Sciences
Classification: Likely pathogenic for CRB1-related condition. Last evaluated: 2026-02-19. Review status: criteria provided, single submitter. Criteria: ACMG Guidelines, 2015. Collection method: clinical testing. Allele origin: germline.
Comment: The CRB1 c.3686G>C variant is predicted to result in the amino acid substitution p.Cys1229Ser. This variant has been reported in the compound heterozygous state in individuals with retinal disease (Zaneveld et al. 2015. PubMed ID: 25474345; Mairot et al. 2021. PubMed ID: 34884448; Table S4, Panneman et al. 2023. PubMed ID: 36819107). This variant is present in 0.0018% of alleles in individuals of European (Non-Finnish) descent in gnomAD. Missense prediction programs classify this amino acid change as damaging (Liu X et al. 2016. PubMed ID:26555599). Given the evidence, we interpret this variant as likely pathogenic.

Blueprint Genetics
Classification: Pathogenic for CRB1-related disorders. Last evaluated: 2024-11-26. Review status: criteria provided, single submitter. Criteria: ACMG Guidelines, 2015. Collection method: clinical testing. Allele origin: germline. Affected: yes. Observed: 5 variant alleles.

Labcorp Genetics (formerly Invitae), Labcorp
Classification: Pathogenic for Leber congenital amaurosis 8; Retinitis pigmentosa 12. Last evaluated: 2024-04-08. Review status: criteria provided, single submitter. Criteria: Invitae Variant Classification Sherloc (09022015). Collection method: clinical testing. Allele origin: germline.
Comment: This sequence change replaces cysteine, which is neutral and slightly polar, with serine, which is neutral and polar, at codon 1229 of the CRB1 protein (p.Cys1229Ser). This variant is present in population databases (no rsID available, gnomAD 0.002%). This missense change has been observed in individuals with clinical features of CRB1-related conditions (PMID: 25474345; Invitae). ClinVar contains an entry for this variant (Variation ID: 1045903). Advanced modeling of protein sequence and biophysical properties (such as structural, functional, and spatial information, amino acid conservation, physicochemical variation, residue mobility, and thermodynamic stability) performed at Invitae indicates that this missense variant is expected to disrupt CRB1 protein function with a positive predictive value of 95%. For these reasons, this variant has been classified as Pathogenic.

Fulgent Genetics
Classification: Likely pathogenic for Pigmented paravenous retinochoroidal atrophy; Retinitis pigmentosa 12; Leber congenital amaurosis 8. Last evaluated: 2024-01-30. Review status: criteria provided, single submitter. Criteria: ACMG Guidelines, 2015. Collection method: clinical testing. Allele origin: germline.

Baylor Genetics
Classification: Likely pathogenic for Leber congenital amaurosis 8. Last evaluated: 2023-08-24. Review status: criteria provided, single submitter. Criteria: ACMG Guidelines, 2015. Collection method: clinical testing. Allele origin: unknown.

Literature cited by the submitters: PubMed 25474345 (cited by Labcorp Genetics (formerly Invitae), Labcorp).